The following is an entry in ClinVar:

NM_000135.4(FANCA):c.3175C>G (p.Leu1059Val)

Gene: FANCA (FA complementation group A; minus strand). Cytogenetic location: 16q24.3.
Variant type: single nucleotide variant.
Coding change: c.3175C>G on transcript NM_000135.4 (MANE Select); coding-DNA position 3175, C replaced by G.
Protein change: p.Leu1059Val; replaces leucine 1059 with valine.
Molecular consequence: missense variant.
Genome position (GRCh38, 1-based): chr16:89,749,794, G>C on the plus strand (C>G on the coding strand, the complement: FANCA is on the minus strand). VCF-style: chr16-89749794-G-C. GRCh37 (hg19) VCF-style: chr16-89816202-G-C.
Other names: c.3175C>G, p.Leu1059Val (NM_001286167.3); c.3175C>G (NM_000135.3); short protein forms L1059V.
Identifiers: ClinVar variation 835118 (VCV000835118.9), dbSNP rs964650941, ClinGen allele CA286625909.
Genomic context (GRCh38, chr16:89,749,794, plus strand): 5'-TGTACATTAGCAGCTCCCTCTGTCTCTGAAGGCTGGCAGCCACGCTCCACCCGCTTGTCA[G>C]AGCCTGGAGCCGTCTGCGGAAAATCTCAAAGAGGAAGTGCTCCTGGGAAGGGGTGTGGCC-3'
Protein context (NP_000126.2, residues 1049-1069): FEIFRRRLQA[Leu1059Val]TSGWSVAASL

ClinVar aggregate classification (germline): Uncertain significance. Review status: criteria provided, multiple submitters, no conflicts (2 of 4 stars). 4 submissions from 4 submitters: Uncertain significance (3). 1 of the submissions does not count toward it. Last evaluated 2025-09-24.

Conditions:
Fanconi anemia (FA). Also called: Fanconi's anemia. Identifiers: Orphanet 84, MedGen C0015625, MeSH D005199, MONDO:0019391.
Fanconi anemia complementation group A (FANCA). Also called: FANCA-Related Fanconi Anemia; Fanconi anemia, group A. Identifiers: Orphanet 84, MedGen C3469521, MONDO:0009215, OMIM 227650.

Allele frequency attached by ClinVar (database versions not stated): TOPMed below 0.00001.
gnomAD v4.1: 15 of 1,614,260 alleles (0.00093%); highest among the groups gnomAD compares: Non-Finnish European, 0.0011%; no homozygotes.

Submissions (4):

Labcorp Genetics (formerly Invitae), Labcorp
Classification: Uncertain significance for Fanconi anemia. Last evaluated: 2025-09-24. Review status: criteria provided, single submitter. Criteria: Invitae Variant Classification Sherloc (09022015). Collection method: clinical testing. Allele origin: germline.
Comment: This sequence change replaces leucine, which is neutral and non-polar, with valine, which is neutral and non-polar, at codon 1059 of the FANCA protein (p.Leu1059Val). This variant is not present in population databases (gnomAD no frequency). This variant has not been reported in the literature in individuals affected with FANCA-related conditions. ClinVar contains an entry for this variant (Variation ID: 835118). Invitae Evidence Modeling of protein sequence and biophysical properties (such as structural, functional, and spatial information, amino acid conservation, physicochemical variation, residue mobility, and thermodynamic stability) has been performed for this missense variant. However, the output from this modeling did not meet the statistical confidence thresholds required to predict the impact of this variant on FANCA protein function. In summary, the available evidence is currently insufficient to determine the role of this variant in disease. Therefore, it has been classified as a Variant of Uncertain Significance.

Fulgent Genetics
Classification: Uncertain significance for Fanconi anemia complementation group A. Last evaluated: 2024-01-02. Review status: criteria provided, single submitter. Criteria: ACMG Guidelines, 2015. Collection method: clinical testing. Allele origin: germline.

Quest Diagnostics Nichols Institute San Juan Capistrano
Classification: Uncertain significance. Last evaluated: 2023-08-24. Review status: criteria provided, single submitter. Criteria: Quest Diagnostics criteria. Collection method: clinical testing. Allele origin: unknown.
Comment: The variant has not been reported in the published literature. The frequency of this variant in the general population, 0.000004 (1/251346 chromosomes), is uninformative in assessment of its pathogenicity. Analysis of this variant using bioinformatics tools for the prediction of the effect of amino acid changes on protein structure and function yielded conflicting predictions that this variant is benign or damaging. Based on the available information, we are unable to determine the clinical significance of this variant.

Natera, Inc.
Classification: Uncertain significance for Fanconi anemia, group A. Last evaluated: 2020-09-16. Review status: no assertion criteria provided. Collection method: clinical testing. Allele origin: germline. Not counted in ClinVar's aggregate classification.